The following is an entry in ClinVar:

NM_001103.4(ACTN2):c.418C>T (p.Arg140Cys)

Gene: ACTN2 (actinin alpha 2; plus strand). Cytogenetic location: 1q43.
Variant type: single nucleotide variant.
Coding change: c.418C>T on transcript NM_001103.4 (MANE Select); coding-DNA position 418, C replaced by T.
Protein change: p.Arg140Cys; replaces arginine 140 with cysteine.
Molecular consequence: missense variant. On other transcripts: 5 prime UTR variant (1).
Genome position (GRCh38, 1-based): chr1:236,720,161, C>T. VCF-style: chr1-236720161-C-T. GRCh37 (hg19) VCF-style: chr1-236883461-C-T.
Other names: c.418C>T, p.Arg140Cys (NM_001278343.2); c.-404C>T (NM_001278344.2); short protein forms R140C.
Identifiers: ClinVar variation 429534 (VCV000429534.17), dbSNP rs1131691439, ClinGen allele CA345374103.

ClinVar aggregate classification (germline): Uncertain significance. Review status: criteria provided, multiple submitters, no conflicts (2 of 4 stars). 6 submissions from 6 submitters: Uncertain significance (6). Last evaluated 2025-10-09.

Conditions:
Cardiovascular phenotype. Identifiers: MedGen CN230736.
Dilated cardiomyopathy 1AA (CMD1AA). Also called: CARDIOMYOPATHY, DILATED, 1AA, WITH OR WITHOUT LEFT VENTRICULAR NONCOMPACTION; CARDIOMYOPATHY, FAMILIAL HYPERTROPHIC, 23, WITH OR WITHOUT LEFT VENTRICULAR NONCOMPACTION; Cardiomyopathy, dilated, 1AA, with or without LVNC. Identifiers: Orphanet 154, MedGen C2677338, MONDO:0012808, OMIM 612158.
Primary familial hypertrophic cardiomyopathy (HCM). Identifiers: Orphanet 99739, MedGen C0949658, MeSH D024741, MONDO:0024573. Inheritance: Various modes of inheritance.

Allele frequency attached by ClinVar (database versions not stated): gnomAD exomes below 0.00001.

Submissions (7):

Labcorp Genetics (formerly Invitae), Labcorp
Classification: Uncertain significance for Primary familial hypertrophic cardiomyopathy; Dilated cardiomyopathy 1AA. Last evaluated: 2025-10-09. Review status: criteria provided, single submitter. Criteria: Invitae Variant Classification Sherloc (09022015). Collection method: clinical testing. Allele origin: germline.
Comment: This sequence change replaces arginine, which is basic and polar, with cysteine, which is neutral and slightly polar, at codon 140 of the ACTN2 protein (p.Arg140Cys). This variant is not present in population databases (gnomAD no frequency). This variant has not been reported in the literature in individuals affected with ACTN2-related conditions. ClinVar contains an entry for this variant (Variation ID: 429534). Invitae Evidence Modeling of protein sequence and biophysical properties (such as structural, functional, and spatial information, amino acid conservation, physicochemical variation, residue mobility, and thermodynamic stability) indicates that this missense variant is expected to disrupt ACTN2 protein function with a positive predictive value of 80%. In summary, the available evidence is currently insufficient to determine the role of this variant in disease. Therefore, it has been classified as a Variant of Uncertain Significance.

Ambry Genetics
Classification: Uncertain significance for Cardiovascular phenotype. Last evaluated: 2025-04-23. Review status: criteria provided, single submitter. Criteria: Ambry Variant Classification Scheme 2023. Collection method: clinical testing. Allele origin: germline.
Comment: The p.R140C variant (also known as c.418C>T), located in coding exon 4 of the ACTN2 gene, results from a C to T substitution at nucleotide position 418. The arginine at codon 140 is replaced by cysteine, an amino acid with highly dissimilar properties. This amino acid position is conserved. In addition, this alteration is predicted to be deleterious by in silico analysis. Based on the available evidence, the clinical significance of this variant remains unclear.

ARUP Laboratories, Molecular Genetics and Genomics, ARUP Laboratories
Classification: Uncertain significance. Last evaluated: 2024-11-20. Review status: criteria provided, single submitter. Criteria: ARUP Molecular Germline Variant Investigation Process 2024. Collection method: clinical testing. Allele origin: germline.
Comment: The ACTN2 c.418C>T; p.Arg140Cys variant (rs1131691439), to our knowledge, is not reported in the medical literature but is reported in ClinVar (Variation ID: 429534). This variant is absent from the Genome Aggregation Database (v2.1.1), indicating it is not a common polymorphism. Computational analyses predict that this variant is deleterious (REVEL: 0.7). However, given the lack of clinical and functional data, the significance of this variant is uncertain at this time.

AiLife Diagnostics
Classification: Uncertain significance. Last evaluated: 2021-09-29. Review status: criteria provided, single submitter. Criteria: ACMG Guidelines, 2015. Collection method: clinical testing. Allele origin: germline. Affected: yes. Observed: 1 variant allele.

Blueprint Genetics
Classification: Uncertain significance. Last evaluated: 2019-06-14. Review status: criteria provided, single submitter. Criteria: ACMG Guidelines, 2015. Collection method: clinical testing. Allele origin: germline.

GeneDx
Classification: Uncertain significance. Last evaluated: 2017-05-11. Review status: criteria provided, single submitter. Criteria: GeneDx Variant Classification (06012015). Collection method: clinical testing. Allele origin: germline. Affected: yes.
Comment: The R140C variant of uncertain significance in the ACTN2 gene has not been published as pathogenic or been reported as benign to our knowledge. This variant is not observed in large population cohorts (Lek et al., 2016; 1000 Genomes Consortium et al., 2015; Exome Variant Server). The R140C variant is a non-conservative amino acid substitution, which is likely to impact secondary protein structure as these residues differ in polarity, charge, size and/or other properties. This substitution occurs at a position that is conserved across species, and in silico analysis predicts this variant is probably damaging to the protein structure/function. However, this variant lacks observation in a significant number of affected individuals, segregation data, and functional evidence, which would further clarify its pathogenicity.

Avery Lab, Oakland University
No classification provided (evidence only). Condition: Dilated cardiomyopathy 1AA; Hypertrophic cardiomyopathy 1. Review status: no classification provided. Collection method: in vitro. Allele origin: not applicable. Functional consequence: loss of function. Not counted in ClinVar's aggregate classification.